The following is an entry in ClinVar:

NM_019066.5(MAGEL2):c.45G>A (p.Ala15=)

Gene: MAGEL2 (MAGE family member L2; minus strand). Cytogenetic location: 15q11.2.
Variant type: single nucleotide variant.
Coding change: c.45G>A on transcript NM_019066.5 (MANE Select); coding-DNA position 45, G replaced by A.
Protein change: p.Ala15=; no amino-acid change (alanine 15 retained).
Molecular consequence: synonymous variant.
Genome position (GRCh38, 1-based): chr15:23,647,698, C>T on the plus strand (G>A on the coding strand, the complement: MAGEL2 is on the minus strand). VCF-style: chr15-23647698-C-T. GRCh37 (hg19) VCF-style: chr15-23892845-C-T.
Identifiers: ClinVar variation 792308 (VCV000792308.4), dbSNP rs1402885858, ClinGen allele CA617084367.
Genomic context (GRCh38, chr15:23,647,698, plus strand): 5'-AGCGGGCGGGGCCCGCATCAGAACCGTAGGGCGGCTATAGACAGGCGGCTTCGGGGCCTC[C>T]GCCGGAGGACTCGAGTCACCCAGATTCTTACTTAGCTGCGACATGTCCCTTTGCTGACAG-3'
Protein context (NP_061939.3, residues 5-25): SKNLGDSSPP[Ala15=]EAPKPPVYSR

ClinVar aggregate classification (germline): Likely benign. Review status: criteria provided, single submitter (1 of 4 stars). 2 submissions from 2 submitters: Likely benign (1). 1 of the submissions does not count toward it. Last evaluated 2018-10-12.

Conditions:
MAGEL2-related disorder. Also called: MAGEL2-related condition.

Allele frequency attached by ClinVar (database versions not stated): gnomAD 0.00001; TOPMed 0.00003.

Submissions (2):

Labcorp Genetics (formerly Invitae), Labcorp
Classification: Likely benign. Last evaluated: 2018-10-12. Review status: criteria provided, single submitter. Criteria: Invitae Variant Classification Sherloc (09022015). Collection method: clinical testing. Allele origin: germline.

PreventionGenetics, part of Exact Sciences
Classification: Likely benign for MAGEL2-related condition. Last evaluated: 2024-05-07. Review status: no assertion criteria provided. Collection method: clinical testing. Allele origin: germline. Not counted in ClinVar's aggregate classification.
Comment: This variant is classified as likely benign based on ACMG/AMP sequence variant interpretation guidelines (Richards et al. 2015 PMID: 25741868, with internal and published modifications).